The following is an entry in ClinVar:

NM_006088.6(TUBB4B):c.805G>A (p.Gly269Ser)

Gene: TUBB4B (tubulin beta 4B class IVb; plus strand). Cytogenetic location: 9q34.3.
Variant type: single nucleotide variant.
Coding change: c.805G>A on transcript NM_006088.6 (MANE Select); coding-DNA position 805, G replaced by A.
Protein change: p.Gly269Ser; replaces glycine 269 with serine.
Molecular consequence: missense variant.
Genome position (GRCh38, 1-based): chr9:137,243,023, G>A. VCF-style: chr9-137243023-G-A. GRCh37 (hg19) VCF-style: chr9-140137475-G-A.
Other names: short protein forms G269S.
Identifiers: ClinVar variation 4888010 (VCV004888010.1).

ClinVar aggregate classification (germline): Uncertain significance (1 of 4 stars; one submission).

Conditions:
Retinal disorder. Also called: Retinopathy; Retinopathies; Retinal Diseases; Retinal disorders. Identifiers: MedGen C0035309, MONDO:0005283, HP:0000488.

gnomAD v4.1: 1 of 1,612,872 alleles (0.000062%); highest among the groups gnomAD compares: Non-Finnish European, 0.000085%; no homozygotes.

Submission:

Genetics Laboratory, Great Ormond Street Hospital NHS Foundation Trust, North Thames Genomic Laboratory Hub
Classification: Uncertain significance for Retinal disorders. Last evaluated: 2026-07-10. Review status: criteria provided, single submitter. Criteria: ACGS Best Practice Guidelines for Variant Classification in Rare Disease 2024 v1.2. Collection method: clinical testing. Allele origin: germline. Affected: yes.
Comment: PM2_moderate, PP3_supporting, PP2_supporting